The following is an entry in ClinVar:

NM_001458.5(FLNC):c.4583C>G (p.Pro1528Arg)

Gene: FLNC (filamin C; plus strand). Cytogenetic location: 7q32.1.
Variant type: single nucleotide variant.
Coding change: c.4583C>G on transcript NM_001458.5 (MANE Select); coding-DNA position 4583, C replaced by G.
Protein change: p.Pro1528Arg; replaces proline 1528 with arginine.
Molecular consequence: missense variant.
Genome position (GRCh38, 1-based): chr7:128,848,563, C>G. VCF-style: chr7-128848563-C-G. GRCh37 (hg19) VCF-style: chr7-128488617-C-G.
Other names: c.4583C>G, p.Pro1528Arg (NM_001127487.2); short protein forms P1528R.
Identifiers: ClinVar variation 3279207 (VCV003279207.1).
Genomic context (GRCh38, chr7:128,848,563, plus strand): 5'-CCCCCCACCGCCCCGTCCATGCCACCCAGCCAACTGTTTATCCCTTCTGCTCCTCAAGCC[C>G]CTTCAAGATCAAGGTCCTCCCAGCTCATGATGCCAGCAAGGTGCGGGCCAGCGGCCCAGG-3'
Protein context (NP_001449.3, residues 1518-1538): KYADQEVPRS[Pro1528Arg]FKIKVLPAHD

ClinVar aggregate classification (germline): Uncertain significance (1 of 4 stars; one submission).

Conditions:
Cardiovascular phenotype. Identifiers: MedGen CN230736.

Submission:

Ambry Genetics
Classification: Uncertain significance for Cardiovascular phenotype. Last evaluated: 2024-04-08. Review status: criteria provided, single submitter. Criteria: Ambry Variant Classification Scheme 2023. Collection method: clinical testing. Allele origin: germline.
Comment: The p.P1528R variant (also known as c.4583C>G), located in coding exon 27 of the FLNC gene, results from a C to G substitution at nucleotide position 4583. The proline at codon 1528 is replaced by arginine, an amino acid with dissimilar properties. This variant was detected in a an individual who underwent genetic testing for hypertrophic cardiomyopathy; however, clinical details were limited, and an additional cardiac variant was detected (van Lint FHM et al. Neth Heart J, 2019 Jun;27:304-309). This amino acid position is highly conserved in available vertebrate species. In addition, this alteration is predicted to be deleterious by in silico analysis. Based on the available evidence, the clinical significance of this variant remains unclear.

Literature cited by the submitters: PubMed 30847666.